The following is an entry in ClinVar:

ClinVar aggregate classification (germline): Uncertain significance. Review status: criteria provided, multiple submitters, no conflicts (2 of 4 stars). 6 submissions from 6 submitters: Uncertain significance (5). 1 of the submissions does not count toward it. Last evaluated 2024-11-15.

Conditions:
RPGRIP1L-related disorder. Also called: RPGRIP1L-related condition; RPGRIP1L-related disorders. Identifiers: MedGen CN239416.
Meckel-Gruber syndrome. Also called: GRUBER SYNDROME; Dysencephalia splachnocystica; DYSENCEPHALIA SPLANCHNOCYSTICA. Identifiers: Orphanet 564, MedGen C0265215, MONDO:0018921.
Joubert syndrome. Also called: Familial aplasia of the vermis; JOUBERT-BOLTSHAUSER SYNDROME. Identifiers: Orphanet 475, MedGen C5979921, MONDO:0018772.
Inborn genetic diseases. Identifiers: MedGen C0950123, MeSH D030342.

Allele frequency attached by ClinVar (database versions not stated): gnomAD exomes 0.00001 and 0.00002; TOPMed 0.00002; gnomAD 0.00003; 1000 Genomes Project 30x 0.00016; 1000 Genomes Project 0.00020.
gnomAD v4.1: 21 of 1,613,320 alleles (0.0013%); highest among the groups gnomAD compares: Admixed American, 0.005%; no homozygotes.

Submissions (6):

PreventionGenetics, part of Exact Sciences
Classification: Uncertain significance for RPGRIP1L-related condition. Last evaluated: 2024-11-15. Review status: criteria provided, single submitter. Criteria: ACMG Guidelines, 2015. Collection method: clinical testing. Allele origin: germline.
Comment: The RPGRIP1L c.2104G>A variant is predicted to result in the amino acid substitution p.Glu702Lys. To our knowledge, this variant has not been reported in the literature. This variant is reported in 0.0029% of alleles in individuals of Latino descent in gnomAD. At this time, the clinical significance of this variant is uncertain due to the absence of conclusive functional and genetic evidence.

Ambry Genetics
Classification: Uncertain significance for Inborn genetic diseases. Last evaluated: 2024-04-20. Review status: criteria provided, single submitter. Criteria: Ambry Variant Classification Scheme 2023. Collection method: clinical testing. Allele origin: germline.

Labcorp Genetics (formerly Invitae), Labcorp
Classification: Uncertain significance for Joubert syndrome; Meckel-Gruber syndrome. Last evaluated: 2022-07-05. Review status: criteria provided, single submitter. Criteria: Invitae Variant Classification Sherloc (09022015). Collection method: clinical testing. Allele origin: germline.
Comment: This sequence change replaces glutamic acid, which is acidic and polar, with lysine, which is basic and polar, at codon 702 of the RPGRIP1L protein (p.Glu702Lys). This variant is present in population databases (rs199975230, gnomAD 0.003%). This variant has not been reported in the literature in individuals affected with RPGRIP1L-related conditions. ClinVar contains an entry for this variant (Variation ID: 972655). Algorithms developed to predict the effect of missense changes on protein structure and function (SIFT, PolyPhen-2, Align-GVGD) all suggest that this variant is likely to be tolerated. In summary, the available evidence is currently insufficient to determine the role of this variant in disease. Therefore, it has been classified as a Variant of Uncertain Significance.

Blueprint Genetics
Classification: Uncertain significance. Last evaluated: 2022-06-10. Review status: criteria provided, single submitter. Criteria: ACMG Guidelines, 2015. Collection method: clinical testing. Allele origin: germline.

Breakthrough Genomics
Classification: Uncertain significance. Review status: criteria provided, single submitter. Criteria: ACMG Guidelines, 2015. Collection method: not provided. Allele origin: germline. Inheritance: Autosomal recessive inheritance. Affected: yes.

Natera, Inc.
Classification: Uncertain significance for Joubert syndrome. Last evaluated: 2020-06-09. Review status: no assertion criteria provided. Collection method: clinical testing. Allele origin: germline. Not counted in ClinVar's aggregate classification.

NM_015272.5(RPGRIP1L):c.2104G>A (p.Glu702Lys)

Gene: RPGRIP1L (RPGRIP1 like; minus strand). Cytogenetic location: 16q12.2.
Variant type: single nucleotide variant.
Coding change: c.2104G>A on transcript NM_015272.5 (MANE Select); coding-DNA position 2104, G replaced by A.
Protein change: p.Glu702Lys; replaces glutamic acid 702 with lysine.
Molecular consequence: missense variant.
Genome position (GRCh38, 1-based): chr16:53,652,583, C>T on the plus strand (G>A on the coding strand, the complement: RPGRIP1L is on the minus strand). VCF-style: chr16-53652583-C-T. GRCh37 (hg19) VCF-style: chr16-53686495-C-T.
Other names: c.2104G>A, p.Glu702Lys (NM_001127897.4, NM_001308334.3, NM_001330538.2); c.2104G>A (NM_015272.4); short protein forms E702K.
Identifiers: ClinVar variation 972655 (VCV000972655.9), dbSNP rs199975230, ClinGen allele CA281343862.